The following is an entry in ClinVar:

NM_015178.3(RHOBTB2):c.1712del (p.Asp571fs)

Gene: RHOBTB2 (Rho related BTB domain containing 2; plus strand). Cytogenetic location: 8p21.3.
Variant type: Deletion.
Coding change: c.1712del on transcript NM_015178.3 (MANE Select); coding-DNA position 1712, one base deleted (A; older notation c.1712delA).
Protein change: p.Asp571fs; shifts the reading frame from aspartic acid 571.
Molecular consequence: frameshift variant.
Genome position (GRCh38, 1-based): chr8:23,010,629, A deleted. VCF-style (leftmost placement, unchanged base first): chr8-23010628-GA-G. GRCh37 (hg19) VCF-style: chr8-22868141-GA-G.
Other names: c.1778del, p.Asp593fs (NM_001160036.2); c.1733del, p.Asp578fs (NM_001160037.2); c.1712del, p.Asp571fs (NM_001374791.1); short protein forms D578fs, D571fs, D593fs.
Identifiers: ClinVar variation 1485548 (VCV001485548.6), dbSNP rs2128806321, ClinGen allele CA2573142575.

ClinVar aggregate classification (germline): Uncertain significance (1 of 4 stars; one submission).

Submission:

Labcorp Genetics (formerly Invitae), Labcorp
Classification: Uncertain significance. Last evaluated: 2024-10-15. Review status: criteria provided, single submitter. Criteria: Invitae Variant Classification Sherloc (09022015). Collection method: clinical testing. Allele origin: germline.
Comment: This sequence change creates a premature translational stop signal (p.Asp593Alafs*2) in the RHOBTB2 gene. It is expected to result in an absent or disrupted protein product. However, the current clinical and genetic evidence is not sufficient to establish whether loss-of-function variants in RHOBTB2 cause disease. This variant is not present in population databases (gnomAD no frequency). This variant has not been reported in the literature in individuals affected with RHOBTB2-related conditions. ClinVar contains an entry for this variant (Variation ID: 1485548). In summary, the available evidence is currently insufficient to determine the role of this variant in disease. Therefore, it has been classified as a Variant of Uncertain Significance.